The following is an entry in ClinVar:

NM_173660.5(DOK7):c.199C>T (p.Pro67Ser)

Gene: DOK7 (docking protein 7; plus strand). Cytogenetic location: 4p16.3.
Variant type: single nucleotide variant.
Coding change: c.199C>T on transcript NM_173660.5 (MANE Select); coding-DNA position 199, C replaced by T.
Protein change: p.Pro67Ser; replaces proline 67 with serine.
Molecular consequence: missense variant. On other transcripts: intron variant (1).
Genome position (GRCh38, 1-based): chr4:3,473,504, C>T. VCF-style: chr4-3473504-C-T. GRCh37 (hg19) VCF-style: chr4-3475231-C-T.
Other names: c.199C>T, p.Pro67Ser (NM_001164673.2, NM_001301071.2); c.100+9953C>T (NM_001363811.2); short protein forms P67S.
Identifiers: ClinVar variation 544694 (VCV000544694.2), dbSNP rs1553846331, ClinGen allele CA356113348.

ClinVar aggregate classification (germline): Pathogenic (0 of 4 stars; one submission).

Conditions:
Congenital myasthenic syndrome 10. Also called: Myasthenia, limb-girdle, familial. Identifiers: Orphanet 590, MedGen C1850792, MONDO:0009690, OMIM 254300.

Submission:

Foundation for Research in Genetics and Endocrinology, FRIGE's Institute of Human Genetics
Classification: Pathogenic for Congenital myasthenic syndrome 10. Last evaluated: 2018-03-01. Review status: no assertion criteria provided. Collection method: clinical testing. Allele origin: germline. Inheritance: Autosomal recessive inheritance. Affected: yes and no. Observed: 2 variant alleles, 1 heterozygote, 1 compound heterozygote.
Comment: The observed variant c.199C>T (p.P67S) is not reported in 1000 Genomes and ExAC databases. The in silico prediction of the variant is disease causing by MutationTaster2, tolerated by SIFT, and probably damaging by PolyPhen2.